The following is an entry in ClinVar:

ClinVar aggregate classification (germline): Uncertain significance (1 of 4 stars; one submission).

Conditions:
Imerslund-Grasbeck syndrome. Also called: ENTEROCYTE COBALAMIN MALABSORPTION; ENTEROCYTE INTRINSIC FACTOR RECEPTOR, DEFECT OF; PERNICIOUS ANEMIA, JUVENILE, DUE TO SELECTIVE INTESTINAL MALABSORPTION OF VITAMIN B12, WITH PROTEINURIA; Imerslund-Gräsbeck syndrome; Megaloblastic anemia due to inborn errors of metabolism. Identifiers: Orphanet 35858, MedGen C4551825, MONDO:0009853.

Allele frequency attached by ClinVar (database versions not stated): gnomAD exomes below 0.00001; gnomAD 0.00001.
gnomAD v4.1: 5 of 1,613,400 alleles (0.00031%); highest among the groups gnomAD compares: East Asian, 0.0089%; no homozygotes.

Submission:

Labcorp Genetics (formerly Invitae), Labcorp
Classification: Uncertain significance for Imerslund-Grasbeck syndrome. Last evaluated: 2025-04-23. Review status: criteria provided, single submitter. Criteria: Invitae Variant Classification Sherloc (09022015). Collection method: clinical testing. Allele origin: germline.
Comment: This sequence change replaces glycine, which is neutral and non-polar, with valine, which is neutral and non-polar, at codon 1167 of the CUBN protein (p.Gly1167Val). This variant is present in population databases (no rsID available, gnomAD 0.005%). This variant has not been reported in the literature in individuals affected with CUBN-related conditions. ClinVar contains an entry for this variant (Variation ID: 1444711). Invitae Evidence Modeling of protein sequence and biophysical properties (such as structural, functional, and spatial information, amino acid conservation, physicochemical variation, residue mobility, and thermodynamic stability) indicates that this missense variant is expected to disrupt CUBN protein function with a positive predictive value of 80%. In summary, the available evidence is currently insufficient to determine the role of this variant in disease. Therefore, it has been classified as a Variant of Uncertain Significance.

NM_001081.4(CUBN):c.3500G>T (p.Gly1167Val)

Gene: CUBN (cubilin; minus strand). Cytogenetic location: 10p13.
Variant type: single nucleotide variant.
Coding change: c.3500G>T on transcript NM_001081.4 (MANE Select); coding-DNA position 3500, G replaced by T.
Protein change: p.Gly1167Val; replaces glycine 1167 with valine.
Molecular consequence: missense variant.
Genome position (GRCh38, 1-based): chr10:17,045,179, C>A on the plus strand (G>T on the coding strand, the complement: CUBN is on the minus strand). VCF-style: chr10-17045179-C-A. GRCh37 (hg19) VCF-style: chr10-17087178-C-A.
Other names: short protein forms G1167V.
Identifiers: ClinVar variation 1444711 (VCV001444711.6), dbSNP rs773892336, ClinGen allele CA376148913.
Genomic context (GRCh38, chr10:17,045,179, plus strand): 5'-TGGTAATAGGGCATCGGGTAGTTGGGAGATATGAACGTGCCGCTTGAAGTGGTGAGATTA[C>A]CCCCGCAACCTACAGGAGAAAGAAGTGGAATGACACACACCCCTTTCCTTCTGGGGAAAT-3'
Protein context (NP_001072.2, residues 1157-1177): YWDGSSTGCG[Gly1167Val]NLTTSSGTFI